The following is an entry in ClinVar:

ClinVar aggregate classification (germline): Pathogenic (1 of 4 stars; one submission).

Conditions:
Nemaline myopathy 8 (NEM8). Also called: Nemaline myopathy 8, autosomal recessive. Identifiers: Orphanet 171430, MedGen C3809209, MONDO:0014138, OMIM 615348.

Submission:

Labcorp Genetics (formerly Invitae), Labcorp
Classification: Pathogenic for Nemaline myopathy 8. Last evaluated: 2024-05-15. Review status: criteria provided, single submitter. Criteria: Invitae Variant Classification Sherloc (09022015). Collection method: clinical testing. Allele origin: germline.
Comment: This sequence change creates a premature translational stop signal (p.Cys434*) in the KLHL40 gene. It is expected to result in an absent or disrupted protein product. Loss-of-function variants in KLHL40 are known to be pathogenic (PMID: 23746549). This variant is not present in population databases (gnomAD no frequency). This variant has not been reported in the literature in individuals affected with KLHL40-related conditions. For these reasons, this variant has been classified as Pathogenic.

Literature cited by the submitters: PubMed 23746549.

NM_152393.4(KLHL40):c.1302C>A (p.Cys434Ter)

Gene: KLHL40 (kelch like family member 40; plus strand). Cytogenetic location: 3p22.1.
Variant type: single nucleotide variant.
Coding change: c.1302C>A on transcript NM_152393.4 (MANE Select); coding-DNA position 1302, C replaced by A.
Protein change: p.Cys434Ter; replaces cysteine 434 with a stop codon.
Molecular consequence: nonsense.
Genome position (GRCh38, 1-based): chr3:42,688,291, C>A. VCF-style: chr3-42688291-C-A. GRCh37 (hg19) VCF-style: chr3-42729783-C-A.
Other names: short protein forms C434*.
Identifiers: ClinVar variation 3652953 (VCV003652953.2).